The following is an entry in ClinVar:

ClinVar aggregate classification (germline): Benign/Likely benign. Review status: criteria provided, multiple submitters, no conflicts (2 of 4 stars). 5 submissions from 5 submitters: Benign (1); Likely benign (4). Last evaluated 2025-09-04.

Conditions:
Hereditary nonpolyposis colon cancer (HNPCC). Also called: Hereditary nonpolyposis colorectal cancer; Familial nonpolyposis colon cancer; Hereditary Nonpolyposis Colorectal Cancer Syndrome. Identifiers: Orphanet 443909, MedGen C1333990, MONDO:0018630. Disease mechanism: loss of function.
Hereditary diffuse gastric adenocarcinoma (HDGC). Also called: DIFFUSE GASTRIC AND LOBULAR BREAST CANCER SYNDROME. Identifiers: Orphanet 26106, MedGen C1708349, MONDO:0007648, OMIM 137215.
Hereditary cancer-predisposing syndrome. Also called: Tumor predisposition; Hereditary neoplastic syndrome; Hereditary Cancer Syndrome; Neoplastic Syndromes, Hereditary. Identifiers: Orphanet 140162, MedGen C0027672, MeSH D009386, MONDO:0015356.

Allele frequency attached by ClinVar (database versions not stated): gnomAD 0.00001; gnomAD exomes 0.00002; ExAC 0.00003.
gnomAD v4.1: 22 of 1,612,246 alleles (0.0014%); highest among the groups gnomAD compares: South Asian, 0.023%; no homozygotes.

Submissions (5):

Labcorp Genetics (formerly Invitae), Labcorp
Classification: Likely benign. Last evaluated: 2025-09-04. Review status: criteria provided, single submitter. Criteria: Invitae Variant Classification Sherloc (09022015). Collection method: clinical testing. Allele origin: germline.

Myriad Genetics, Inc.
Classification: Benign for Hereditary diffuse gastric adenocarcinoma. Last evaluated: 2024-10-11. Review status: criteria provided, single submitter. Criteria: Myriad Autosomal Dominant, Autosomal Recessive and X-Linked Classification Criteria (2023). Collection method: clinical testing. Allele origin: unknown.
Comment: This variant is considered benign. This variant is a silent/synonymous amino acid change and it is not expected to impact splicing.

Department of Pathology and Laboratory Medicine, Sinai Health System
Classification: Likely benign for hereditary nonpolyposis colon cancer. Last evaluated: 2024-01-15. Review status: criteria provided, single submitter. Criteria: ACMG Guidelines, 2015. Collection method: clinical testing. Allele origin: germline. Affected: no.

CeGaT Center for Human Genetics Tuebingen
Classification: Likely benign. Last evaluated: 2023-09-01. Review status: criteria provided, single submitter. Criteria: CeGaT Center For Human Genetics Tuebingen Variant Classification Criteria Version 2. Collection method: clinical testing. Allele origin: germline. Affected: yes. Observed: 1 variant allele.
Comment: CTNNA1: BP4

Ambry Genetics
Classification: Likely benign for Hereditary cancer-predisposing syndrome. Last evaluated: 2020-03-02. Review status: criteria provided, single submitter. Criteria: Ambry Variant Classification Scheme 2023. Collection method: clinical testing. Allele origin: germline.

NM_001903.5(CTNNA1):c.1245A>G (p.Glu415=)

Gene: CTNNA1 (catenin alpha 1; plus strand). Cytogenetic location: 5q31.2.
Variant type: single nucleotide variant.
Coding change: c.1245A>G on transcript NM_001903.5 (MANE Select); coding-DNA position 1245, A replaced by G.
Protein change: p.Glu415=; no amino-acid change (glutamic acid 415 retained).
Molecular consequence: synonymous variant. On other transcripts: 5 prime UTR variant (5), intron variant (2).
Genome position (GRCh38, 1-based): chr5:138,887,591, A>G. VCF-style: chr5-138887591-A-G. GRCh37 (hg19) VCF-style: chr5-138223280-A-G.
Other names: c.1245A>G, p.Glu415= (NM_001290307.3, NM_001323982.2, NM_001323983.1 and 3 more transcripts); c.936A>G, p.Glu312= (NM_001290309.3); c.876A>G, p.Glu292= (NM_001290310.3); c.135A>G, p.Glu45= (NM_001290312.1, NM_001323987.1, NM_001323988.1 and 18 more transcripts); c.-263A>G (NM_001324006.1, NM_001324007.1, NM_001324008.1 and 1 more transcripts); c.-138A>G (NM_001324013.1); c.-58+11994A>G (NM_001324012.1); c.-61+11994A>G (NM_001324010.1).
Identifiers: ClinVar variation 1129778 (VCV001129778.37), dbSNP rs752282736, ClinGen allele CA3431886.
Genomic context (GRCh38, chr5:138,887,591, plus strand): 5'-GGAAACCAATGTTCCACTTTTGGTATTGATTGAAGCTGCAAAGAATGGAAATGAGAAAGA[A>G]GTTAAGGAGTATGCCCAAGTTTTCCGTGAACATGCCAACAAATTGATTGAGGTAAGTGAA-3'
Protein context (NP_001894.2, residues 405-425): IEAAKNGNEK[Glu415=]VKEYAQVFRE